The following is an entry in ClinVar:

ClinVar aggregate classification (germline): Uncertain significance (1 of 4 stars; one submission).

Submission:

Dasa
Classification: Uncertain significance. Last evaluated: 2026-02-19. Review status: criteria provided, single submitter. Criteria: DASA Assertion Criteria. Collection method: clinical testing. Allele origin: germline.
Comment: NM_138420.4(AHNAK2):c.10393del (p.Asp3465Metfs*2) is a frameshift variant in AHNAK2 predicted to alter the reading frame and introduce a premature termination codon. This variant is rare in population databases. The currently available literature and clinical evidence are not sufficient to establish a definitive association between this variant and the reported condition. Therefore, this variant is classified as a variant of uncertain significance.

NM_138420.4(AHNAK2):c.10393del (p.Asp3465fs)

Gene: AHNAK2 (AHNAK nucleoprotein 2; minus strand). Cytogenetic location: 14q32.33.
Variant type: Deletion.
Coding change: c.10393del on transcript NM_138420.4 (MANE Select); coding-DNA position 10393, one base deleted (G; older notation c.10393delG).
Protein change: p.Asp3465fs; shifts the reading frame from aspartic acid 3465.
Molecular consequence: frameshift variant.
Genome position (GRCh38, 1-based): chr14:104,945,058, C deleted on the plus strand (G on the coding strand, the reverse complement: AHNAK2 is on the minus strand); the first of 2 consecutive C bases (chr14:104,945,058-104,945,059); deleting either gives the same sequence. VCF-style (leftmost placement, unchanged base first): chr14-104945057-TC-T. GRCh37 (hg19) VCF-style: chr14-105411394-TC-T.
Other names: c.10093del, p.Asp3365fs (NM_001350929.2); short protein forms D3365fs, D3465fs.
Identifiers: ClinVar variation 4886281 (VCV004886281.2).